The following is an entry in ClinVar:

NM_000038.6(APC):c.218_219insTA (p.Lys73fs)

Gene: APC (APC regulator of Wnt signaling pathway; plus strand). Cytogenetic location: 5q22.2.
Variant type: Insertion.
Coding change: c.218_219insTA on transcript NM_000038.6 (MANE Select); coding-DNA positions 218 to 219, TA inserted.
Protein change: p.Lys73fs; shifts the reading frame from lysine 73.
Molecular consequence: frameshift variant. On other transcripts: 5 prime UTR variant (4), non-coding transcript variant (2).
Genome position: GRCh38 VCF-style: chr5-112766407-A-AAT. GRCh37 (hg19) VCF-style: chr5-112102104-A-AAT.
Other names: c.218_219insTA, p.Lys73fs (NM_001407460.1, NM_001407467.1, NM_001407469.1 and 16 more transcripts); c.-818_-817insTA (NM_001407470.1, NM_001407471.1, NM_001407472.1 and 1 more transcripts); c.248_249insTA, p.Lys83fs (NM_001127511.3, NM_001354897.2, NM_001354902.2 and 1 more transcripts); c.143_144insTA, p.Lys48fs (NM_001354898.2, NM_001354904.2, NM_001407451.1); c.41_42insTA, p.Lys14fs (NM_001354900.2, NM_001354901.2, NM_001354905.2 and 1 more transcripts); short protein forms K14fs, K48fs, K73fs, K83fs.
Identifiers: ClinVar variation 3390366 (VCV003390366.1).

ClinVar aggregate classification (germline): Pathogenic (1 of 4 stars; one submission).

Conditions:
Familial adenomatous polyposis 1 (FAP1). Also called: FAMILIAL ADENOMATOUS POLYPOSIS 1, ATTENUATED; POLYPOSIS, ADENOMATOUS INTESTINAL. Identifiers: MedGen C2713442, MONDO:0021056, OMIM 175100. Disease mechanism: loss of function.

Submission:

National Molecular Genetics Centre of Cancer Research, N.N. Alexandrov National Cancer Centre of Belarus
Classification: Pathogenic for Familial adenomatous polyposis 1. Review status: criteria provided, single submitter. Criteria: ACMG Guidelines, 2015. Collection method: clinical testing. Allele origin: germline. Inheritance: Autosomal dominant inheritance. Affected: yes.
Comment: This variant was classified as: Pathogenic. The following ACMG 2015 criteria were applied: PVS1 (frameshift), PM2 (absent in Gnomad), PP4 (phenotype and family history).